The following is an entry in ClinVar:

ClinVar aggregate classification (germline): Conflicting classifications of pathogenicity. Review status: criteria provided, conflicting classifications (1 of 4 stars). 4 submissions from 4 submitters: Uncertain significance (3); Likely benign (1). Last evaluated 2026-08-19.

Conditions:
NTRK1-related disorder. Also called: NTRK1-related condition.
Hereditary insensitivity to pain with anhidrosis (CIPA). Also called: NEUROPATHY, CONGENITAL SENSORY, WITH ANHIDROSIS; NTRK1 Congenital Insensitivity to Pain with Anhidrosis; INSENSITIVITY TO PAIN, CONGENITAL, WITH ANHIDROSIS; FAMILIAL DYSAUTONOMIA, TYPE II; hereditary sensory and autonomic neuropathy type 4; HSAN Type IV. Identifiers: Orphanet 642, MedGen C0020074, MONDO:0009746, OMIM 256800.
Familial medullary thyroid carcinoma (MTC). Also called: Familial Medullary Thyroid Carcinoma (FMTC); Thyroid cancer, familial medullary; MTC, familial. Identifiers: Orphanet 653, Orphanet 99361, MedGen C1833921, MONDO:0007958, OMIM 155240.

Allele frequency attached by ClinVar (database versions not stated): gnomAD exomes 0.00007 and 0.00021; ESP Exome Variant Server 0.00008; gnomAD 0.00009; TOPMed 0.00012; ExAC 0.00015; 1000 Genomes Project 30x 0.00016; 1000 Genomes Project 0.00020.
gnomAD v4.1: 128 of 1,614,160 alleles (0.0079%); highest among the groups gnomAD compares: East Asian, 0.058%; no homozygotes.

Submissions (4):

PreventionGenetics, part of Exact Sciences
Classification: Uncertain significance for NTRK1-related condition. Last evaluated: 2026-08-19. Review status: criteria provided, single submitter. Criteria: ACMG Guidelines, 2015. Collection method: clinical testing. Allele origin: germline.
Comment: The NTRK1 c.1187C>T variant is predicted to result in the amino acid substitution p.Ser396Leu. To our knowledge, this variant has not been reported in the literature. This variant is reported in 0.14% of alleles in individuals of Ashkenazi Jewish descent in gnomAD. At this time, the clinical significance of this variant is uncertain due to the absence of conclusive functional and genetic evidence.

CeGaT Center for Human Genetics Tuebingen
Classification: Uncertain significance. Last evaluated: 2023-09-01. Review status: criteria provided, single submitter. Criteria: CeGaT Center For Human Genetics Tuebingen Variant Classification Criteria Version 2. Collection method: clinical testing. Allele origin: germline. Affected: yes. Observed: 1 variant allele.

Labcorp Genetics (formerly Invitae), Labcorp
Classification: Likely benign for Hereditary insensitivity to pain with anhidrosis. Last evaluated: 2019-06-21. Review status: criteria provided, single submitter. Criteria: Invitae Variant Classification Sherloc (09022015). Collection method: clinical testing. Allele origin: germline.

Mendelics
Classification: Uncertain significance for Familial medullary thyroid carcinoma. Last evaluated: 2018-07-02. Review status: criteria provided, single submitter. Criteria: Mendelics Assertion Criteria 2017. Collection method: clinical testing. Allele origin: unknown.

NM_002529.4(NTRK1):c.1187C>T (p.Ser396Leu)

Gene: NTRK1 (neurotrophic receptor tyrosine kinase 1; plus strand). Cytogenetic location: 1q23.1.
Variant type: single nucleotide variant.
Coding change: c.1187C>T on transcript NM_002529.4 (MANE Select); coding-DNA position 1187, C replaced by T.
Protein change: p.Ser396Leu; replaces serine 396 with leucine.
Molecular consequence: missense variant. On other transcripts: intron variant (2).
Genome position (GRCh38, 1-based): chr1:156,874,392, C>T. VCF-style: chr1-156874392-C-T. GRCh37 (hg19) VCF-style: chr1-156844184-C-T.
Other names: c.1088-179C>T (NM_001007792.1); c.1178-179C>T (NM_001012331.2); c.1187C>T (NM_002529.3); short protein forms S396L.
Identifiers: ClinVar variation 456607 (VCV000456607.35), dbSNP rs199646180, ClinGen allele CA1169221.